The following is an entry in ClinVar:

ClinVar aggregate classification (germline): Conflicting classifications of pathogenicity. Review status: criteria provided, conflicting classifications (1 of 4 stars). 3 submissions from 3 submitters: Uncertain significance (1); Likely benign (2). Last evaluated 2026-01-28.

Conditions:
Inborn genetic diseases. Identifiers: MedGen C0950123, MeSH D030342.
Spastic paraplegia. Identifiers: MedGen C0037772, HP:0001258.

Allele frequency attached by ClinVar (database versions not stated): gnomAD exomes 0.00005 and 0.00016; ExAC 0.00019; 1000 Genomes Project 0.00020; 1000 Genomes Project 30x 0.00031; TOPMed 0.00074; ESP Exome Variant Server 0.00077; gnomAD 0.00092.
gnomAD v4.1: 204 of 1,614,220 alleles (0.013%); highest among the groups gnomAD compares: African/African-American, 0.25%; 1 homozygote.

Submissions (3):

Labcorp Genetics (formerly Invitae), Labcorp
Classification: Likely benign for Spastic paraplegia. Last evaluated: 2026-01-28. Review status: criteria provided, single submitter. Criteria: Invitae Variant Classification Sherloc (09022015). Collection method: clinical testing. Allele origin: germline.

Ambry Genetics
Classification: Likely benign for Inborn genetic diseases. Last evaluated: 2024-11-11. Review status: criteria provided, single submitter. Criteria: Ambry Variant Classification Scheme 2023. Collection method: clinical testing. Allele origin: germline.

GeneDx
Classification: Uncertain significance. Last evaluated: 2024-09-13. Review status: criteria provided, single submitter. Criteria: GeneDx Variant Classification Process June 2021. Collection method: clinical testing. Allele origin: germline. Affected: yes.
Comment: In silico analysis indicates that this missense variant does not alter protein structure/function; Has not been previously published as pathogenic or benign to our knowledge

NM_015346.4(ZFYVE26):c.3212G>A (p.Ser1071Asn)

Gene: ZFYVE26 (zinc finger FYVE-type containing 26; minus strand). Cytogenetic location: 14q24.1.
Variant type: single nucleotide variant.
Coding change: c.3212G>A on transcript NM_015346.4 (MANE Select); coding-DNA position 3212, G replaced by A.
Protein change: p.Ser1071Asn; replaces serine 1071 with asparagine.
Molecular consequence: missense variant.
Genome position (GRCh38, 1-based): chr14:67,785,950, C>T on the plus strand (G>A on the coding strand, the complement: ZFYVE26 is on the minus strand). VCF-style: chr14-67785950-C-T. GRCh37 (hg19) VCF-style: chr14-68252667-C-T.
Other names: short protein forms S1071N.
Identifiers: ClinVar variation 798238 (VCV000798238.12), dbSNP rs7156206, ClinGen allele CA7240051.
Genomic context (GRCh38, chr14:67,785,950, plus strand): 5'-AGGACCTGATCTAGCTGCTGGGAGAGGGTGGTGTGGCTGGCAACACAGTCCTCGCTTAGG[C>T]TGGGCCAGCACATCTGAAGCAGTTCAGTGATGCTGCACCGTGGAGGGCCTCCTCCCTTTT-3'
Protein context (NP_056161.2, residues 1061-1081): ITELLQMCWP[Ser1071Asn]LSEDCVASHT